The following is an entry in ClinVar:

ClinVar aggregate classification (germline): Uncertain significance (1 of 4 stars; one submission).

Conditions:
Epidermolysis bullosa simplex 3, localized or generalized intermediate, with BP230 deficiency (EBS3). Also called: Epidermolysis bullosa simplex, autosomal recessive 2; Epidermolysis bullosa simplex due to BP230 deficiency. Identifiers: Orphanet 412181, MedGen C3809470, MONDO:0014180, OMIM 615425.
Hereditary sensory and autonomic neuropathy type 6. Also called: Neuropathy, hereditary sensory and autonomic, type VI; HSAN VI. Identifiers: Orphanet 314381, MedGen C3539003, MONDO:0013839, OMIM 614653.

Allele frequency attached by ClinVar (database versions not stated): gnomAD exomes 0.00001.

Submission:

Labcorp Genetics (formerly Invitae), Labcorp
Classification: Uncertain significance for Epidermolysis bullosa simplex 3, localized or generalized intermediate, with BP230 deficiency; Hereditary sensory and autonomic neuropathy type 6. Last evaluated: 2023-06-09. Review status: criteria provided, single submitter. Criteria: Invitae Variant Classification Sherloc (09022015). Collection method: clinical testing. Allele origin: germline.
Comment: The DST gene has multiple clinically relevant transcripts. This variant occurs in alternate transcript NM_015548.4, and corresponds to NM_001723.5:c.*85809_*85811del in the primary transcript. In summary, the available evidence is currently insufficient to determine the role of this variant in disease. Therefore, it has been classified as a Variant of Uncertain Significance. Experimental studies and prediction algorithms are not available or were not evaluated, and the functional significance of this variant is currently unknown. This variant has not been reported in the literature in individuals affected with DST-related conditions. This variant is not present in population databases (gnomAD no frequency). This variant, c.9466_9468del , results in the deletion of 1 amino acid(s) of the DST protein (p.Leu3156del), but otherwise preserves the integrity of the reading frame.

NM_001374736.1(DST):c.17335_17337del (p.Leu5779del)

Gene: DST (dystonin; minus strand). Cytogenetic location: 6p12.1.
Variant type: Deletion.
Coding change: c.17335_17337del on transcript NM_001374736.1 (MANE Select); coding-DNA positions 17335 to 17337, 3 bases deleted (TTA; older notation c.17335_17337delTTA).
Protein change: p.Leu5779del; deletes leucine 5779.
Molecular consequence: inframe deletion. On other transcripts: intron variant (2).
Genome position (GRCh38, 1-based): chr6:56,529,706-56,529,708, TAA deleted on the plus strand (TTA on the coding strand, the reverse complement: DST is on the minus strand). VCF-style (leftmost placement, unchanged base first): chr6-56529705-TTAA-T. GRCh37 (hg19) VCF-style: chr6-56394503-TTAA-T.
Other names: c.10978_10980del, p.Leu3660del (NM_001144769.5); c.10564_10566del, p.Leu3522del (NM_001144770.2); c.17335_17337del, p.Leu5779del (NM_001374722.1); c.17362_17364del, p.Leu5788del (NM_001374734.1); c.10444_10446del, p.Leu3482del (NM_001386100.1, NM_183380.4); c.9466_9468del, p.Leu3156del (NM_015548.5); c.10377+266_10377+268del (NM_001374730.1); c.16635+266_16635+268del (NM_001374729.1); short protein forms L3482del, L5788del, L3660del, L5779del, L3522del, L3156del.
Identifiers: ClinVar variation 2948698 (VCV002948698.3), dbSNP rs2534833457, ClinGen allele CA2679209692.